The following is an entry in ClinVar:

ClinVar aggregate classification (germline): Uncertain significance (1 of 4 stars; one submission).

Conditions:
Autoimmune lymphoproliferative syndrome, type III caused by mutation in PRKCD. Identifiers: Orphanet 3261, Orphanet 664711, MedGen C3809928, MONDO:8000024, OMIM 615559.

Submission:

Labcorp Genetics (formerly Invitae), Labcorp
Classification: Uncertain significance for Autoimmune lymphoproliferative syndrome, type III caused by mutation in PRKCD. Last evaluated: 2025-11-24. Review status: criteria provided, single submitter. Criteria: Invitae Variant Classification Sherloc (09022015). Collection method: clinical testing. Allele origin: germline.
Comment: This sequence change replaces alanine, which is neutral and non-polar, with valine, which is neutral and non-polar, at codon 19 of the PRKCD protein (p.Ala19Val). This variant is not present in population databases (gnomAD no frequency). This variant has not been reported in the literature in individuals affected with PRKCD-related conditions. ClinVar contains an entry for this variant (Variation ID: 1474215). An algorithm developed to predict the effect of missense changes on protein structure and function outputs the following: PolyPhen-2: "Benign". The valine amino acid residue is found in multiple mammalian species, which suggests that this missense change does not adversely affect protein function. In summary, the available evidence is currently insufficient to determine the role of this variant in disease. Therefore, it has been classified as a Variant of Uncertain Significance.

NM_006254.4(PRKCD):c.56C>T (p.Ala19Val)

Gene: PRKCD (protein kinase C delta; plus strand). Cytogenetic location: 3p21.1.
Variant type: single nucleotide variant.
Coding change: c.56C>T on transcript NM_006254.4 (MANE Select); coding-DNA position 56, C replaced by T.
Protein change: p.Ala19Val; replaces alanine 19 with valine.
Molecular consequence: missense variant.
Genome position (GRCh38, 1-based): chr3:53,178,478, C>T. VCF-style: chr3-53178478-C-T. GRCh37 (hg19) VCF-style: chr3-53212494-C-T.
Other names: c.56C>T, p.Ala19Val (NM_001316327.2, NM_001354679.2, NM_001354680.2 and 1 more transcripts); c.113C>T, p.Ala38Val (NM_001354676.2); c.104C>T, p.Ala35Val (NM_001354678.2); short protein forms A35V, A19V, A38V.
Identifiers: ClinVar variation 1474215 (VCV001474215.7), dbSNP rs2107253193, ClinGen allele CA353232339.
Genomic context (GRCh38, chr3:53,178,478, plus strand): 5'-CCACCATGGCGCCGTTCCTGCGCATCGCCTTCAACTCCTATGAGCTGGGCTCCCTGCAGG[C>T]CGAGGACGAGGCGAACCAGCCCTTCTGTGCCGTGAAGATGAAGGAGGCGCTCAGCACAGG-3'
Protein context (NP_006245.2, residues 9-29): FNSYELGSLQ[Ala19Val]EDEANQPFCA